The following is an entry in ClinVar:

NM_002661.5(PLCG2):c.1862A>G (p.His621Arg)

Gene: PLCG2 (phospholipase C gamma 2; plus strand). Cytogenetic location: 16q23.3.
Variant type: single nucleotide variant.
Coding change: c.1862A>G on transcript NM_002661.5 (MANE Select); coding-DNA position 1862, A replaced by G.
Protein change: p.His621Arg; replaces histidine 621 with arginine.
Molecular consequence: missense variant.
Genome position (GRCh38, 1-based): chr16:81,910,648, A>G. VCF-style: chr16-81910648-A-G. GRCh37 (hg19) VCF-style: chr16-81944253-A-G.
Other names: short protein forms H621R.
Identifiers: ClinVar variation 2139617 (VCV002139617.4), dbSNP rs1303101447, ClinGen allele CA396901043.

ClinVar aggregate classification (germline): Uncertain significance (1 of 4 stars; one submission).

Conditions:
Familial cold autoinflammatory syndrome 3 (FCAS3). Also called: ANTIBODY DEFICIENCY AND IMMUNE DYSREGULATION, PLCG2-ASSOCIATED; FAMILIAL ATYPICAL COLD URTICARIA. Identifiers: Orphanet 300359, MedGen C3280914, MONDO:0013766, OMIM 614468.

Allele frequency attached by ClinVar (database versions not stated): gnomAD exomes below 0.00001.
gnomAD v4.1: 6 of 1,613,920 alleles (0.00037%); highest among the groups gnomAD compares: Non-Finnish European, 0.00042%; no homozygotes.

Submission:

Labcorp Genetics (formerly Invitae), Labcorp
Classification: Uncertain significance for Familial cold autoinflammatory syndrome 3. Last evaluated: 2023-10-22. Review status: criteria provided, single submitter. Criteria: Invitae Variant Classification Sherloc (09022015). Collection method: clinical testing. Allele origin: germline.
Comment: This sequence change replaces histidine, which is basic and polar, with arginine, which is basic and polar, at codon 621 of the PLCG2 protein (p.His621Arg). This variant is present in population databases (no rsID available, gnomAD 0.0009%). This variant has not been reported in the literature in individuals affected with PLCG2-related conditions. ClinVar contains an entry for this variant (Variation ID: 2139617). An algorithm developed to predict the effect of missense changes on protein structure and function (PolyPhen-2) suggests that this variant is likely to be tolerated. In summary, the available evidence is currently insufficient to determine the role of this variant in disease. Therefore, it has been classified as a Variant of Uncertain Significance.